The following is an entry in ClinVar:

ClinVar aggregate classification (germline): Likely pathogenic (1 of 4 stars; one submission).

Conditions:
Autosomal recessive nonsyndromic hearing loss 77. Identifiers: Orphanet 90636, MedGen C2746083, MONDO:0013119, OMIM 613079.

Submission:

Natera, Inc.
Classification: Likely pathogenic for Autosomal recessive deafness type 77. Last evaluated: 2025-10-10. Review status: criteria provided, single submitter. Criteria: Natera Variant Classification Schema (03/2026). Collection method: clinical testing. Allele origin: germline.
Comment: The c.2738dup variant in LOXHD1 is a frameshift variant predicted to shift the reading frame beginning at codon 914 and leads to a stop codon 75 codons downstream. This variant is expected to result in nonsense mediated decay, truncation, or a dysfunctional protein product. This variant is rare in the general population with a frequency below the threshold expected for the associated phenotype(s). Given the available evidence, this variant is classified as Likely Pathogenic.

NM_001384474.1(LOXHD1):c.2738dup (p.Ala914fs)

Gene: LOXHD1 (lipoxygenase homology PLAT domains 1; minus strand). Cytogenetic location: 18q21.1.
Variant type: Duplication.
Coding change: c.2738dup on transcript NM_001384474.1 (MANE Select); coding-DNA position 2738, one base duplicated (A; older notation c.2738dupA).
Protein change: p.Ala914fs; shifts the reading frame from alanine 914.
Molecular consequence: frameshift variant.
Genome position (GRCh38, 1-based): chr18:46,560,406, T duplicated on the plus strand (A on the coding strand, the reverse complement: LOXHD1 is on the minus strand). VCF-style (leftmost placement, unchanged base first): chr18-46560405-C-CT. GRCh37 (hg19) VCF-style: chr18-44140368-C-CT.
Other names: c.2738dup, p.Ala914fs (NM_144612.7); short protein forms A914fs.
Identifiers: ClinVar variation 4816820 (VCV004816820.1).